The following is an entry in ClinVar:

ClinVar aggregate classification (germline): Pathogenic/Likely pathogenic. Review status: criteria provided, multiple submitters, no conflicts (2 of 4 stars). 3 submissions from 3 submitters: Pathogenic (1); Likely pathogenic (2). Last evaluated 2024-11-20.

Conditions:
MC2R-related disorders.

gnomAD v4.1: 11 of 1,614,124 alleles (0.00068%); highest among the groups gnomAD compares: Non-Finnish European, 0.00085%; no homozygotes.

Submissions (3):

Blueprint Genetics
Classification: Likely pathogenic for MC2R-related disorders. Last evaluated: 2024-11-20. Review status: criteria provided, single submitter. Criteria: ACMG Guidelines, 2015. Collection method: clinical testing. Allele origin: germline. Affected: yes. Observed: 2 variant alleles.

GeneDx
Classification: Likely pathogenic. Last evaluated: 2024-01-30. Review status: criteria provided, single submitter. Criteria: GeneDx Variant Classification Process June 2021. Collection method: clinical testing. Allele origin: germline. Affected: yes.
Comment: Reported as a variant associated with glucocorticoid deficiency in the literature, although the number of patients with this variant and additional clinical details were not provided (PMID: 16271481, 32952553); Published functional studies suggest a damaging effect with protein mislocalization (PMID: 18840636); Not observed at significant frequency in large population cohorts (gnomAD); In silico analysis supports that this missense variant has a deleterious effect on protein structure/function; This variant is associated with the following publications: (PMID: 18840636, 32952553, 16271481)

Institute of Medical Genetics and Applied Genomics, University Hospital Tübingen
Classification: Pathogenic. Last evaluated: 2021-06-17. Review status: criteria provided, single submitter. Criteria: ACMG Guidelines, 2015. Collection method: clinical testing. Allele origin: germline. Inheritance: Autosomal recessive inheritance. Affected: yes.

NM_000529.2(MC2R):c.767C>T (p.Ser256Phe)

Gene: MC2R (melanocortin 2 receptor; minus strand). Cytogenetic location: 18p11.21.
Variant type: single nucleotide variant.
Coding change: c.767C>T on transcript NM_000529.2 (MANE Select); coding-DNA position 767, C replaced by T.
Protein change: p.Ser256Phe; replaces serine 256 with phenylalanine.
Molecular consequence: missense variant.
Genome position (GRCh38, 1-based): chr18:13,884,752, G>A on the plus strand (C>T on the coding strand, the complement: MC2R is on the minus strand). VCF-style: chr18-13884752-G-A. GRCh37 (hg19) VCF-style: chr18-13884751-G-A.
Other names: c.767C>T, p.Ser256Phe (NM_001291911.1); short protein forms S256F.
Identifiers: ClinVar variation 1184897 (VCV001184897.4), dbSNP rs1256103643, ClinGen allele CA401994016.